The following is an entry in ClinVar:

NM_001231.5(CASQ1):c.1033C>T (p.Gln345Ter)

Gene: CASQ1 (calsequestrin 1; plus strand). Cytogenetic location: 1q23.2.
Variant type: single nucleotide variant.
Coding change: c.1033C>T on transcript NM_001231.5 (MANE Select); coding-DNA position 1033, C replaced by T.
Protein change: p.Gln345Ter; replaces glutamine 345 with a stop codon.
Molecular consequence: nonsense.
Genome position (GRCh38, 1-based): chr1:160,199,899, C>T. VCF-style: chr1-160199899-C-T. GRCh37 (hg19) VCF-style: chr1-160169689-C-T.
Other names: short protein forms Q345*.
Identifiers: ClinVar variation 3362094 (VCV003362094.1).

ClinVar aggregate classification (germline): Uncertain significance (1 of 4 stars; one submission).

Submission:

GeneDx
Classification: Uncertain significance. Last evaluated: 2023-05-25. Review status: criteria provided, single submitter. Criteria: GeneDx Variant Classification Process June 2021. Collection method: clinical testing. Allele origin: germline. Affected: yes.
Comment: Not observed at significant frequency in large population cohorts (gnomAD); Nonsense variant predicted to result in protein truncation as the last 52 amino acids are lost in a gene for which loss-of-function is not an established mechanism of disease; Has not been previously published as pathogenic or benign to our knowledge